The following is an entry in ClinVar:

NM_000548.5(TSC2):c.397A>G (p.Asn133Asp)

Gene: TSC2 (TSC complex subunit 2; plus strand). Cytogenetic location: 16p13.3.
Variant type: single nucleotide variant.
Coding change: c.397A>G on transcript NM_000548.5 (MANE Select); coding-DNA position 397, A replaced by G.
Protein change: p.Asn133Asp; replaces asparagine 133 with aspartic acid.
Molecular consequence: missense variant. On other transcripts: 5 prime UTR variant (14), non-coding transcript variant (5), intron variant (6).
Genome position (GRCh38, 1-based): chr16:2,054,356, A>G. VCF-style: chr16-2054356-A-G. GRCh37 (hg19) VCF-style: chr16-2104357-A-G.
Other names: c.397A>G, p.Asn133Asp (NM_001077183.3, NM_001114382.3, NM_001363528.2 and 8 more transcripts); c.286A>G, p.Asn96Asp (NM_001318827.2, NM_001406670.1, NM_001406678.1); c.250A>G, p.Asn84Asp (NM_001318829.2, NM_001406675.1, NM_001406676.1 and 1 more transcripts); c.430A>G, p.Asn144Asp (NM_001318832.2); c.487A>G, p.Asn163Asp (NM_001406667.1, NM_001406668.1); c.340A>G, p.Asn114Asp (NM_001406677.1); c.-420A>G (NM_001406680.1, NM_001406683.1, NM_001406687.1); c.-49A>G (NM_001406681.1); and 6 more; short protein forms N114D, N133D, N144D, N163D, N84D, N96D.
Identifiers: ClinVar variation 3386155 (VCV003386155.4).

ClinVar aggregate classification (germline): Uncertain significance. Review status: criteria provided, multiple submitters, no conflicts (2 of 4 stars). 3 submissions from 3 submitters: Uncertain significance (3). Last evaluated 2024-08-21.

Conditions:
Hereditary cancer-predisposing syndrome. Also called: Hereditary Cancer Syndrome; Hereditary neoplastic syndrome; Neoplastic Syndromes, Hereditary; Tumor predisposition. Identifiers: Orphanet 140162, MedGen C0027672, MeSH D009386, MONDO:0015356.
Tuberous sclerosis syndrome (TSC). Also called: Tuberous Sclerosis Complex; Tuberous sclerosis. Identifiers: Orphanet 805, MedGen C0041341, MONDO:0001734.
Tuberous sclerosis 2 (TSC2). Identifiers: Orphanet 805, MedGen C1860707, MONDO:0013199, OMIM 613254.

Submissions (3):

Ambry Genetics
Classification: Uncertain significance for Hereditary cancer-predisposing syndrome. Last evaluated: 2024-08-21. Review status: criteria provided, single submitter. Criteria: Ambry Variant Classification Scheme 2023. Collection method: clinical testing. Allele origin: germline.
Comment: The p.N133D variant (also known as c.397A>G), located in coding exon 4 of the TSC2 gene, results from an A to G substitution at nucleotide position 397. The asparagine at codon 133 is replaced by aspartic acid, an amino acid with highly similar properties. This amino acid position is conserved. In addition, this alteration is predicted to be tolerated by in silico analysis. Based on the available evidence, the clinical significance of this variant remains unclear.

All of Us Research Program, National Institutes of Health
Classification: Uncertain significance for Tuberous sclerosis syndrome. Last evaluated: 2024-07-29. Review status: criteria provided, single submitter. Criteria: ACMG Guidelines, 2015. Collection method: clinical testing. Allele origin: germline. Inheritance: Autosomal dominant inheritance. Observed: 1 variant allele, 1 heterozygote.
Comment: This missense variant replaces asparagine with aspartic acid at codon 133 of the TSC2 protein. Computational prediction suggests that this variant may not impact protein structure and function (internally defined REVEL score threshold <= 0.5, PMID: 27666373). To our knowledge, functional studies have not been reported for this variant. This variant has not been reported in individuals affected with TSC2-related disorders in the literature. This variant has not been identified in the general population by the Genome Aggregation Database (gnomAD). The available evidence is insufficient to determine the role of this variant in disease conclusively. Therefore, this variant is classified as a Variant of Uncertain Significance.

This study involves interpretation of variants in research participants for the purpose of population health screening. Participant phenotype was not available at the time of variant classification. Additional details can be found in publication PMID: 35346344, PMCID: PMC8962531

Labcorp Genetics (formerly Invitae), Labcorp
Classification: Uncertain significance for Tuberous sclerosis 2. Last evaluated: 2024-05-10. Review status: criteria provided, single submitter. Criteria: Invitae Variant Classification Sherloc (09022015). Collection method: clinical testing. Allele origin: germline.
Comment: This sequence change replaces asparagine, which is neutral and polar, with aspartic acid, which is acidic and polar, at codon 133 of the TSC2 protein (p.Asn133Asp). This variant is not present in population databases (gnomAD no frequency). This variant has not been reported in the literature in individuals affected with TSC2-related conditions. Advanced modeling of protein sequence and biophysical properties (such as structural, functional, and spatial information, amino acid conservation, physicochemical variation, residue mobility, and thermodynamic stability) performed at Invitae indicates that this missense variant is not expected to disrupt TSC2 protein function with a negative predictive value of 95%. In summary, the available evidence is currently insufficient to determine the role of this variant in disease. Therefore, it has been classified as a Variant of Uncertain Significance.